The following is an entry in ClinVar:

NM_000059.4(BRCA2):c.67G>A (p.Asp23Asn)

Gene: BRCA2 (BRCA2 DNA repair associated; plus strand). Cytogenetic location: 13q13.1.
Variant type: single nucleotide variant.
Coding change: c.67G>A on transcript NM_000059.4 (MANE Select); coding-DNA position 67, G replaced by A.
Protein change: p.Asp23Asn; replaces aspartic acid 23 with asparagine.
Molecular consequence: missense variant.
Genome position (GRCh38, 1-based): chr13:32,316,527, G>A. VCF-style: chr13-32316527-G-A. GRCh37 (hg19) VCF-style: chr13-32890664-G-A.
Other names: NM_000059.4(BRCA2):c.67G>A; p.Asp23Asn; short protein forms D23N.
Identifiers: ClinVar variation 225732 (VCV000225732.12), dbSNP rs397507881, ClinGen allele CA10576059.

ClinVar aggregate classification (germline): Uncertain significance. Review status: reviewed by expert panel (3 of 4 stars). 4 submissions from 4 submitters: Uncertain significance (1). 3 of the submissions do not count toward it. Last evaluated 2026-01-04.

Conditions:
BRCA2-related cancer predisposition. Identifiers: MedGen CN377758, MONDO:0700269.
Hereditary cancer-predisposing syndrome. Also called: Tumor predisposition; Neoplastic Syndromes, Hereditary; Hereditary neoplastic syndrome; Hereditary Cancer Syndrome. Identifiers: Orphanet 140162, MedGen C0027672, MeSH D009386, MONDO:0015356.
Breast-ovarian cancer, familial, susceptibility to, 2 (BROVCA2). Also called: BRCA2 Hereditary Breast and Ovarian Cancer. Identifiers: Orphanet 145, MedGen C2675520, MONDO:0012933, OMIM 612555. Disease mechanism: loss of function.
Hereditary breast ovarian cancer syndrome. Also called: Hereditary breast and/or ovarian cancer syndrome; Hereditary breast and ovarian cancer syndrome (HBOC); Breast and ovarian cancer; Hereditary breast and ovarian cancer; BRCA1- and BRCA2-Associated Hereditary Breast and Ovarian Cancer; Hereditary breast and ovarian cancer syndrome. Identifiers: Orphanet 145, MedGen C0677776, MeSH D061325, MONDO:0003582. Disease mechanism: loss of function.

Submissions (4):

ClinGen ENIGMA BRCA1 and BRCA2 Variant Curation Expert Panel, ClinGen
Classification: Uncertain significance for BRCA2-related cancer predisposition. Last evaluated: 2026-01-04. Review status: reviewed by expert panel. Criteria: CSpec BRCA12ACMG Rules Specifications V1.1. Collection method: curation. Allele origin: germline. Inheritance: Autosomal dominant inheritance.
Comment: The c.67G>A variant in BRCA2 is a missense variant predicted to cause substitution of Aspartic Acid by Asparagine at amino acid 23 (p.(Asp23Asn)). This variant is absent from gnomAD v2.1 (exomes only, non-cancer subset, read depth ≥25) and gnomAD v3.1 (non-cancer subset, read depth ≥25) (PM2_Supporting met). This BRCA2 missense variant has a SpliceAI score of 0.59, predicting an impact on splicing (score threshold >0.20) (PP3 not applied because a PVS1 code is met). This variant is reported to result in aberrant mRNA splicing. RT-PCR demonstrated that the variant impacts splicing by use of a cryptic site 4 nt upstream (PMID: 29750258). The percent reference and aberrant transcripts produced from the variant allele is not stated. A minigene assay demonstrated the variant allele produced 7.7 % reference (full-length, FL) and 89 % aberrant transcript using an allele specific quantitative assessment with Capillary electrophoresis (PMID: 30883759). RT-PCRseq from an Internal lab contributor has also demonstrated that a small number of normally spliced reads contained the variant allele (Ambry internal data). Appropriate code strength determined by comparison of results to PVS1 decision tree and VCEP discussion: PVS1_Strong (RNA). In summary, this variant meets the criteria to be classified as a Variant of uncertain significance for BRCA2-related cancer predisposition based on the ACMG/AMP criteria applied as specified by the ENIGMA BRCA1/2 VCEP (PM2_Supporting, PVS1_Strong (RNA)).

Ambry Genetics
Classification: Uncertain significance for Hereditary cancer-predisposing syndrome. Last evaluated: 2024-11-20. Review status: criteria provided, single submitter. Criteria: Ambry Variant Classification Scheme 2023. Collection method: clinical testing. Allele origin: germline. Not counted in ClinVar's aggregate classification.
Comment: The c.67G>A variant (also known as p.D23N), located in coding exon 1 of the BRCA2 gene, results from a G to A substitution at nucleotide position 67. The amino acid change results in aspartic acid to asparagine at codon 23, an amino acid with highly similar properties. However, this change occurs in the last base pair of coding exon 1, which makes it likely to have some effect on normal mRNA splicing. This nucleotide position is highly conserved in available vertebrate species. In silico splice site analysis predicts that this alteration will weaken the native splice donor site and will result in the creation or strengthening of a novel splice donor site. RNA studies have shown this alteration to result in a novel donor gain which causes a frameshift (Fraile-Bethencourt, E et al. J Pathol 2019 Aug;248(4):409-420; Leman R et al. Nucleic Acids Res, 2018 Sep;46:7913-7923; Ambry internal data). Based on the available evidence, the clinical significance of this variant remains unclear.

Labcorp Genetics (formerly Invitae), Labcorp
Classification: Uncertain significance for Hereditary breast ovarian cancer syndrome. Last evaluated: 2017-04-23. Review status: criteria provided, single submitter. Criteria: Invitae Variant Classification Sherloc (09022015). Collection method: clinical testing. Allele origin: germline. Not counted in ClinVar's aggregate classification.
Comment: This variant also falls at the last nucleotide of exon 2 of the BRCA2 coding sequence, which is part of the consensus splice site for this exon. This variant has been reported in an individual affected with breast cancer (PMID: 24156927). ClinVar contains an entry for this variant (Variation ID: 225732). In summary, this variant is a rare change with uncertain impact on protein function. While it is absent from the population and reported in affected individuals, the available evidence is currently insufficient to determine its role in disease. Therefore, it has been classified as a Variant of Uncertain Significance. This variant is not present in population databases (ExAC no frequency). Nucleotide substitutions within the consensus splice site are relatively common causes of aberrant splicing (PMID: 17576681, 9536098). Algorithms developed to predict the effect of nucleotide changes on RNA splicing suggest that this variant may alter RNA splicing, but this prediction has not been confirmed by published transcriptional studies.

Molecular Genetics Laboratory, University of Michigan
Classification: Likely pathogenic for Breast-ovarian cancer, familial, susceptibility to, 2. Last evaluated: 2016-04-21. Review status: criteria provided, single submitter. Criteria: ACMG Guidelines, 2015. Collection method: clinical testing. Allele origin: germline. Affected: yes. Not counted in ClinVar's aggregate classification.

Literature cited by the submitters: PubMed 29750258 (cited by Ambry Genetics); PubMed 30883759 (cited by Ambry Genetics); PubMed 24156927 (cited by Labcorp Genetics (formerly Invitae), Labcorp); PubMed 17576681 (cited by Labcorp Genetics (formerly Invitae), Labcorp); PubMed 9536098 (cited by Labcorp Genetics (formerly Invitae), Labcorp).